The following is an entry in ClinVar:

NM_006070.6(TFG):c.845_846delinsTC (p.Pro282Leu)

Gene: TFG (trafficking from ER to golgi regulator; plus strand). Cytogenetic location: 3q12.2.
Variant type: Indel.
Coding change: c.845_846delinsTC on transcript NM_006070.6 (MANE Select); coding-DNA positions 845 to 846, CT replaced by TC.
Protein change: p.Pro282Leu; replaces proline 282 with leucine.
Molecular consequence: missense variant.
Genome position (GRCh38, 1-based): chr3:100,748,173-100,748,174, CT replaced by TC. VCF-style: chr3-100748173-CT-TC. GRCh37 (hg19) VCF-style: chr3-100467017-CT-TC.
Other names: c.845_846delinsTC, p.Pro282Leu (NM_001007565.2, NM_001195478.2); c.833_834delinsTC, p.Pro278Leu (NM_001195479.2); short protein forms P278L, P282L.
Identifiers: ClinVar variation 3751158 (VCV003751158.2).
Genomic context (GRCh38, chr3:100,748,173, plus strand): 5'-AAGATAAGATACATGTTATTTATTTTGCCTTTTCAGCAAGCTATAGTCAGCAGACTGGAC[CT>TC]CAACAACCTCAGCAGTTCCAGGGATATGGCCAGCAACCAACTTCCCAGGCACCAGCTCCT-3'
Protein context (NP_006061.2, residues 272-292): YSASYSQQTG[Pro282Leu]QQPQQFQGYG

ClinVar aggregate classification (germline): Uncertain significance (1 of 4 stars; one submission).

Conditions:
Hereditary motor and sensory neuropathy, Okinawa type (HMSNO). Also called: HEREDITARY MOTOR AND SENSORY NEUROPATHY, PROXIMAL TYPE. Identifiers: Orphanet 90117, MedGen C1858338, MONDO:0011468, OMIM 604484.
Hereditary spastic paraplegia 57. Also called: Spastic paraplegia 57, autosomal recessive. Identifiers: Orphanet 431329, MedGen C3714897, MONDO:0014295, OMIM 615658.

Submission:

Labcorp Genetics (formerly Invitae), Labcorp
Classification: Uncertain significance for Hereditary motor and sensory neuropathy, Okinawa type; Hereditary spastic paraplegia 57. Last evaluated: 2024-04-26. Review status: criteria provided, single submitter. Criteria: Invitae Variant Classification Sherloc (09022015). Collection method: clinical testing. Allele origin: germline.
Comment: This sequence change replaces proline, which is neutral and non-polar, with leucine, which is neutral and non-polar, at codon 282 of the TFG protein (p.Pro282Leu). Information on the frequency of this variant in the gnomAD database is not available, as this variant may be reported differently in the database. This variant has not been reported in the literature in individuals affected with TFG-related conditions. An algorithm developed to predict the effect of missense changes on protein structure and function (PolyPhen-2) suggests that this variant is likely to be disruptive. In summary, the available evidence is currently insufficient to determine the role of this variant in disease. Therefore, it has been classified as a Variant of Uncertain Significance.